The following is an entry in ClinVar:

ClinVar aggregate classification (germline): Uncertain significance (1 of 4 stars; one submission).

Submission:

GeneDx
Classification: Uncertain significance. Last evaluated: 2026-02-11. Review status: criteria provided, single submitter. Criteria: GeneDx Variant Classification Process June 2021. Collection method: clinical testing. Allele origin: germline.
Comment: Not observed at significant frequency in large population cohorts (gnomAD); Frameshift variant predicted to result in protein truncation or nonsense mediated decay in a gene or region of a gene for which loss of function is not a well-established mechanism of disease; Has not been previously published as pathogenic or benign to our knowledge

NM_000393.5(COL5A2):c.2949del (p.Gly984fs)

Gene: COL5A2 (collagen type V alpha 2 chain; minus strand). Cytogenetic location: 2q32.2.
Variant type: Deletion.
Coding change: c.2949del on transcript NM_000393.5 (MANE Select); coding-DNA position 2949, one base deleted (T; older notation c.2949delT).
Protein change: p.Gly984fs; shifts the reading frame from glycine 984.
Molecular consequence: frameshift variant.
Genome position (GRCh38, 1-based): chr2:189,050,659, A deleted on the plus strand (T on the coding strand, the reverse complement: COL5A2 is on the minus strand). VCF-style (leftmost placement, unchanged base first): chr2-189050658-CA-C. GRCh37 (hg19) VCF-style: chr2-189915384-CA-C.
Other names: short protein forms G984fs.
Identifiers: ClinVar variation 3365551 (VCV003365551.2).